The following is an entry in ClinVar:

ClinVar aggregate classification (germline): Conflicting classifications of pathogenicity. Review status: criteria provided, conflicting classifications (1 of 4 stars). 4 submissions from 4 submitters: Uncertain significance (1); Benign (1); Likely benign (2). Last evaluated 2025-11-18.

Conditions:
Retinitis pigmentosa (RP). Identifiers: Orphanet 791, MedGen C0035334, MeSH D012174, MONDO:0019200, OMIM 268000. Inheritance: Autosomal dominant, autosomal recessive and X linked inheritance.
PCARE-related disorder. Also called: PCARE-related condition.

Allele frequency attached by ClinVar (database versions not stated): gnomAD 0.00001 and 0.00009; TOPMed 0.00003; 1000 Genomes Project 30x 0.00016; 1000 Genomes Project 0.00020; gnomAD exomes 0.00039; ExAC 0.00047.
gnomAD v4.1: 310 of 1,613,968 alleles (0.019%); highest among the groups gnomAD compares: South Asian, 0.32%; 3 homozygotes.

Submissions (4):

PreventionGenetics, part of Exact Sciences
Classification: Likely benign for PCARE-related condition. Last evaluated: 2025-11-18. Review status: criteria provided, single submitter. Criteria: ACMG Guidelines, 2015. Collection method: clinical testing. Allele origin: germline.
Comment: This variant is classified as likely benign based on ACMG/AMP sequence variant interpretation guidelines (Richards et al. 2015 PMID: 25741868, with internal and published modifications).

Labcorp Genetics (formerly Invitae), Labcorp
Classification: Benign. Last evaluated: 2025-06-17. Review status: criteria provided, single submitter. Criteria: Invitae Variant Classification Sherloc (09022015). Collection method: clinical testing. Allele origin: germline.

Blueprint Genetics
Classification: Likely benign. Last evaluated: 2024-09-30. Review status: criteria provided, single submitter. Criteria: ACMG Guidelines, 2015. Collection method: clinical testing. Allele origin: germline.

Illumina Laboratory Services, Illumina
Classification: Uncertain significance for Retinitis pigmentosa. Last evaluated: 2018-01-15. Review status: criteria provided, single submitter. Criteria: ICSL Variant Classification Criteria 13 December 2019. Collection method: clinical testing. Allele origin: germline.

NM_001029883.3(PCARE):c.2539G>C (p.Glu847Gln)

Gene: PCARE (photoreceptor cilium actin regulator; minus strand). Cytogenetic location: 2p23.2.
Variant type: single nucleotide variant.
Coding change: c.2539G>C on transcript NM_001029883.3 (MANE Select); coding-DNA position 2539, G replaced by C.
Protein change: p.Glu847Gln; replaces glutamic acid 847 with glutamine.
Molecular consequence: missense variant.
Genome position (GRCh38, 1-based): chr2:29,071,723, C>G on the plus strand (G>C on the coding strand, the complement: PCARE is on the minus strand). VCF-style: chr2-29071723-C-G. GRCh37 (hg19) VCF-style: chr2-29294589-C-G.
Other names: short protein forms E847Q.
Identifiers: ClinVar variation 894901 (VCV000894901.14), dbSNP rs541757069, ClinGen allele CA1592176.